The following is an entry in ClinVar:

NM_002878.4(RAD51D):c.420G>T (p.Gly140=)

Genes: RAD51D (RAD51 paralog D; minus strand), RAD51L3-RFFL (RAD51L3-RFFL readthrough; minus strand). Cytogenetic location: 17q12.
Variant type: single nucleotide variant.
Coding change: c.420G>T on transcript NM_002878.4 (MANE Select); coding-DNA position 420, G replaced by T.
Protein change: p.Gly140=; no amino-acid change (glycine 140 retained).
Molecular consequence: synonymous variant. On other transcripts: non-coding transcript variant (1), intron variant (1).
Genome position (GRCh38, 1-based): chr17:35,107,048, C>A on the plus strand (G>T on the coding strand, the complement: RAD51D is on the minus strand). VCF-style: chr17-35107048-C-A. GRCh37 (hg19) VCF-style: chr17-33434067-C-A.
Other names: c.480G>T, p.Gly160= (NM_001142571.2); c.145-567G>T (NM_133629.3).
Identifiers: ClinVar variation 629314 (VCV000629314.8), dbSNP rs1567728317, ClinGen allele CA499731706.

ClinVar aggregate classification (germline): Benign/Likely benign. Review status: criteria provided, multiple submitters, no conflicts (2 of 4 stars). 4 submissions from 4 submitters: Benign (1); Likely benign (3). Last evaluated 2025-02-21.

Conditions:
Hereditary cancer-predisposing syndrome. Also called: Neoplastic Syndromes, Hereditary; Tumor predisposition; Hereditary neoplastic syndrome; Hereditary Cancer Syndrome. Identifiers: Orphanet 140162, MedGen C0027672, MeSH D009386, MONDO:0015356.
Breast-ovarian cancer, familial, susceptibility to, 4. Identifiers: Orphanet 145, MedGen C3280345, MONDO:0013669, OMIM 614291.

Submissions (4):

Myriad Genetics, Inc.
Classification: Benign for Breast-ovarian cancer, familial, susceptibility to, 4. Last evaluated: 2025-02-21. Review status: criteria provided, single submitter. Criteria: Myriad Autosomal Dominant, Autosomal Recessive and X-Linked Classification Criteria (2023). Collection method: clinical testing. Allele origin: unknown.
Comment: This variant is considered benign. This variant is a silent/synonymous amino acid change and it is not expected to impact splicing.

Labcorp Genetics (formerly Invitae), Labcorp
Classification: Likely benign for Breast-ovarian cancer, familial, susceptibility to, 4. Last evaluated: 2024-01-05. Review status: criteria provided, single submitter. Criteria: Invitae Variant Classification Sherloc (09022015). Collection method: clinical testing. Allele origin: germline.

Ambry Genetics
Classification: Likely benign for Hereditary cancer-predisposing syndrome. Last evaluated: 2022-08-01. Review status: criteria provided, single submitter. Criteria: Ambry Variant Classification Scheme 2023. Collection method: clinical testing. Allele origin: germline.

Color Diagnostics, LLC DBA Color Health
Classification: Likely benign for Hereditary cancer-predisposing syndrome. Last evaluated: 2018-09-27. Review status: criteria provided, single submitter. Criteria: ACMG Guidelines, 2015. Collection method: clinical testing. Allele origin: germline.